The following is an entry in ClinVar:

NM_000127.3(EXT1):c.1164+1G>A

Gene: EXT1 (exostosin glycosyltransferase 1; minus strand). Cytogenetic location: 8q24.11.
Variant type: single nucleotide variant.
Coding change: c.1164+1G>A on transcript NM_000127.3 (MANE Select); the canonical splice donor site of the intron after coding-DNA position 1164, G replaced by A.
Molecular consequence: splice donor variant.
Genome position (GRCh38, 1-based): chr8:117,835,443, C>T on the plus strand (G>A on the coding strand, the complement: EXT1 is on the minus strand). VCF-style: chr8-117835443-C-T. GRCh37 (hg19) VCF-style: chr8-118847682-C-T.
Identifiers: ClinVar variation 1458863 (VCV001458863.6), dbSNP rs2129786098, ClinGen allele CA371891763.

ClinVar aggregate classification (germline): Pathogenic (1 of 4 stars; one submission).

Conditions:
Multiple congenital exostosis (EXT). Also called: Multiple osteochondromas; MULTIPLE CARTILAGINOUS EXOSTOSES; Hereditary multiple exostoses; Hereditary multiple exostosis; Hereditary multiple osteochondromas; Multiple exostoses. Identifiers: Orphanet 321, MedGen C0015306, MONDO:0005508, HP:0002762.

Submission:

Labcorp Genetics (formerly Invitae), Labcorp
Classification: Pathogenic for Multiple congenital exostosis. Last evaluated: 2022-03-18. Review status: criteria provided, single submitter. Criteria: Invitae Variant Classification Sherloc (09022015). Collection method: clinical testing. Allele origin: germline.
Comment: Studies have shown that disruption of this splice site results in skipping of exon 3, but is expected to preserve the integrity of the reading-frame (PMID: 28604967). This sequence change affects a donor splice site in intron 3 of the EXT1 gene. RNA analysis indicates that disruption of this splice site induces altered splicing and likely results in a shortened protein product. This variant is not present in population databases (gnomAD no frequency). Disruption of this splice site has been observed in individual(s) with multiple osteochondromas (PMID: 23439489, 28604967). In at least one individual the variant was observed to be de novo. For these reasons, this variant has been classified as Pathogenic.

Literature cited by the submitters: PubMed 28604967; PubMed 23439489.